The following is an entry in ClinVar:

ClinVar aggregate classification (germline): Conflicting classifications of pathogenicity. Review status: criteria provided, conflicting classifications (1 of 4 stars). 6 submissions from 6 submitters: Uncertain significance (1); Benign (1); Likely benign (3). 1 of the submissions does not count toward it. Last evaluated 2025-12-30.

Conditions:
ARID1A-related disorder. Also called: ARID1A-related condition.

Allele frequency attached by ClinVar (database versions not stated): ESP Exome Variant Server 0.00123; gnomAD 0.00131 and 0.00121; TOPMed 0.00133; ExAC 0.00034; 1000 Genomes Project 30x 0.00078; 1000 Genomes Project 0.00100.
gnomAD v4.1: 363 of 1,614,150 alleles (0.022%); highest among the groups gnomAD compares: African/African-American, 0.41%; 1 homozygote.

Submissions (6):

Labcorp Genetics (formerly Invitae), Labcorp
Classification: Likely benign. Last evaluated: 2025-12-30. Review status: criteria provided, single submitter. Criteria: Invitae Variant Classification Sherloc (09022015). Collection method: clinical testing. Allele origin: germline.

CeGaT Center for Human Genetics Tuebingen
Classification: Likely benign. Last evaluated: 2025-03-01. Review status: criteria provided, single submitter. Criteria: CeGaT Center For Human Genetics Tuebingen Variant Classification Criteria Version 2. Collection method: clinical testing. Allele origin: germline. Affected: yes. Observed: 1 variant allele.
Comment: ARID1A: BP4, BS1

Blueprint Genetics
Classification: Likely benign. Last evaluated: 2024-05-02. Review status: criteria provided, single submitter. Criteria: ACMG Guidelines, 2015. Collection method: clinical testing. Allele origin: germline.

GeneDx
Classification: Benign. Last evaluated: 2020-06-26. Review status: criteria provided, single submitter. Criteria: GeneDx Variant Classification Process June 2021. Collection method: clinical testing. Allele origin: germline. Affected: yes.
Comment: This variant is associated with the following publications: (PMID: 28767289)

Genetic Services Laboratory, University of Chicago
Classification: Uncertain significance. Last evaluated: 2015-05-06. Review status: criteria provided, single submitter. Criteria: ACMG Guidelines, 2015. Collection method: clinical testing. Allele origin: germline.

PreventionGenetics, part of Exact Sciences
Classification: Benign for ARID1A-related condition. Last evaluated: 2019-06-06. Review status: no assertion criteria provided. Collection method: clinical testing. Allele origin: germline. Not counted in ClinVar's aggregate classification.
Comment: This variant is classified as benign based on ACMG/AMP sequence variant interpretation guidelines (Richards et al. 2015 PMID: 25741868, with internal and published modifications).

NM_006015.6(ARID1A):c.5779G>C (p.Ala1927Pro)

Gene: ARID1A (AT-rich interaction domain 1A; plus strand). Cytogenetic location: 1p36.11.
Variant type: single nucleotide variant.
Coding change: c.5779G>C on transcript NM_006015.6 (MANE Select); coding-DNA position 5779, G replaced by C.
Protein change: p.Ala1927Pro; replaces alanine 1927 with proline.
Molecular consequence: missense variant.
Genome position (GRCh38, 1-based): chr1:26,779,677, G>C. VCF-style: chr1-26779677-G-C. GRCh37 (hg19) VCF-style: chr1-27106168-G-C.
Other names: c.5779G>C (LRG_875t1); c.5128G>C, p.Ala1710Pro (NM_139135.4); short protein forms A1927P, A1710P.
Identifiers: ClinVar variation 210261 (VCV000210261.26), dbSNP rs143257313, ClinGen allele CA205310.